The following is an entry in ClinVar:

ClinVar aggregate classification (germline): Uncertain significance (1 of 4 stars; one submission).

Conditions:
Inborn genetic diseases. Identifiers: MedGen C0950123, MeSH D030342.

gnomAD v4.1: 3 of 1,613,926 alleles (0.00019%); highest among the groups gnomAD compares: Non-Finnish European, 0.000085%; no homozygotes.

Submission:

Ambry Genetics
Classification: Uncertain significance for Inborn genetic diseases. Last evaluated: 2025-07-10. Review status: criteria provided, single submitter. Criteria: Ambry Variant Classification Scheme 2023. Collection method: clinical testing. Allele origin: germline.
Comment: The p.R549C variant (also known as c.1645C>T), located in coding exon 12 of the ASXL1 gene, results from a C to T substitution at nucleotide position 1645. The arginine at codon 549 is replaced by cysteine, an amino acid with highly dissimilar properties. This amino acid position is conserved. In addition, the in silico prediction for this alteration is inconclusive. Based on the available evidence, the clinical significance of this variant remains unclear.

NM_015338.6(ASXL1):c.1645C>T (p.Arg549Cys)

Gene: ASXL1 (ASXL transcriptional regulator 1; plus strand). Cytogenetic location: 20q11.21.
Variant type: single nucleotide variant.
Coding change: c.1645C>T on transcript NM_015338.6 (MANE Select); coding-DNA position 1645, C replaced by T.
Protein change: p.Arg549Cys; replaces arginine 549 with cysteine.
Molecular consequence: missense variant.
Genome position (GRCh38, 1-based): chr20:32,433,843, C>T. VCF-style: chr20-32433843-C-T. GRCh37 (hg19) VCF-style: chr20-31021646-C-T.
Other names: c.1462C>T, p.Arg488Cys (NM_001363734.1); short protein forms R488C, R549C.
Identifiers: ClinVar variation 4158169 (VCV004158169.1).